The following is an entry in ClinVar:

ClinVar aggregate classification (germline): Uncertain significance. Review status: criteria provided, multiple submitters, no conflicts (2 of 4 stars). 6 submissions from 6 submitters: Uncertain significance (6). Last evaluated 2025-09-25.

Conditions:
WHRN-related disorder. Also called: WHRN-related condition.
Inborn genetic diseases. Identifiers: MedGen C0950123, MeSH D030342.

Allele frequency attached by ClinVar (database versions not stated): ESP Exome Variant Server 0.00008; gnomAD 0.00009; TOPMed 0.00010; gnomAD exomes 0.00013; ExAC 0.00019.
gnomAD v4.1: 195 of 1,612,814 alleles (0.012%); highest among the groups gnomAD compares: Non-Finnish European, 0.015%; no homozygotes.

Submissions (6):

PreventionGenetics, part of Exact Sciences
Classification: Uncertain significance for WHRN-related condition. Last evaluated: 2025-09-25. Review status: criteria provided, single submitter. Criteria: ACMG Guidelines, 2015. Collection method: clinical testing. Allele origin: germline.
Comment: The WHRN c.1222C>A variant is predicted to result in the amino acid substitution p.Pro408Thr. To our knowledge, this variant has not been reported in the literature. This variant is reported in 0.024% of alleles in individuals of European (Non-Finnish) descent in gnomAD. At this time, the clinical significance of this variant is uncertain due to the absence of conclusive functional and genetic evidence.

Labcorp Genetics (formerly Invitae), Labcorp
Classification: Uncertain significance. Last evaluated: 2024-10-22. Review status: criteria provided, single submitter. Criteria: Invitae Variant Classification Sherloc (09022015). Collection method: clinical testing. Allele origin: germline.
Comment: This sequence change replaces proline, which is neutral and non-polar, with threonine, which is neutral and polar, at codon 408 of the WHRN protein (p.Pro408Thr). This variant is present in population databases (rs368241259, gnomAD 0.02%). This variant has not been reported in the literature in individuals affected with WHRN-related conditions. ClinVar contains an entry for this variant (Variation ID: 163050). An algorithm developed to predict the effect of missense changes on protein structure and function (PolyPhen-2) suggests that this variant¬†is likely to be tolerated. In summary, the available evidence is currently insufficient to determine the role of this variant in disease. Therefore, it has been classified as a Variant of Uncertain Significance.

Blueprint Genetics
Classification: Uncertain significance. Last evaluated: 2022-12-16. Review status: criteria provided, single submitter. Criteria: ACMG Guidelines, 2015. Collection method: clinical testing. Allele origin: germline.

GeneDx
Classification: Uncertain significance. Last evaluated: 2022-04-25. Review status: criteria provided, single submitter. Criteria: GeneDx Variant Classification Process June 2021. Collection method: clinical testing. Allele origin: germline. Affected: yes.
Comment: In silico analysis supports that this missense variant does not alter protein structure/function; Has not been previously published as pathogenic or benign to our knowledge

Ambry Genetics
Classification: Uncertain significance for Inborn genetic diseases. Last evaluated: 2021-06-18. Review status: criteria provided, single submitter. Criteria: Ambry Variant Classification Scheme 2023. Collection method: clinical testing. Allele origin: germline.

Laboratory for Molecular Medicine, Mass General Brigham Personalized Medicine
Classification: Uncertain significance. Last evaluated: 2014-09-04. Review status: criteria provided, single submitter. Criteria: LMM Criteria. Collection method: clinical testing. Allele origin: germline. Observed: 1 variant allele.
Comment: The Pro408Thr variant in DFNB31 has not been previously reported in individuals with hearing loss, but has been identified in 1/4404 of African American chromos omes by the NHLBI Exome Sequencing Project (dbSNP rs368241259). Computational prediction tools and conservation analyses suggest that this variant may not impact the protein, though this information is not pre dictive enough to rule out pathogenicity. In summary, the clinical significance of the Pro408Thr variant is uncertain.

NM_015404.4(WHRN):c.1222C>A (p.Pro408Thr)

Gene: WHRN (whirlin; minus strand). Cytogenetic location: 9q32.
Variant type: single nucleotide variant.
Coding change: c.1222C>A on transcript NM_015404.4 (MANE Select); coding-DNA position 1222, C replaced by A.
Protein change: p.Pro408Thr; replaces proline 408 with threonine.
Molecular consequence: missense variant.
Genome position (GRCh38, 1-based): chr9:114,424,528, G>T on the plus strand (C>A on the coding strand, the complement: WHRN is on the minus strand). VCF-style: chr9-114424528-G-T. GRCh37 (hg19) VCF-style: chr9-117186808-G-T.
Other names: c.73C>A, p.Pro25Thr (NM_001083885.3); c.1222C>A, p.Pro408Thr (NM_001173425.2); c.169C>A, p.Pro57Thr (NM_001346890.1); short protein forms P408T, P25T, P57T.
Identifiers: ClinVar variation 163050 (VCV000163050.16), dbSNP rs368241259, ClinGen allele CA175639.